The following is an entry in ClinVar:

ClinVar aggregate classification (germline): Uncertain significance (1 of 4 stars; one submission).

gnomAD v4.1: 7 of 1,519,594 alleles (0.00046%); highest among the groups gnomAD compares: Non-Finnish European, 0.00061%; no homozygotes.

Submission:

Labcorp Genetics (formerly Invitae), Labcorp
Classification: Uncertain significance. Last evaluated: 2023-07-22. Review status: criteria provided, single submitter. Criteria: Invitae Variant Classification Sherloc (09022015). Collection method: clinical testing. Allele origin: germline.
Comment: In summary, the available evidence is currently insufficient to determine the role of this variant in disease. Therefore, it has been classified as a Variant of Uncertain Significance. Advanced modeling of protein sequence and biophysical properties (such as structural, functional, and spatial information, amino acid conservation, physicochemical variation, residue mobility, and thermodynamic stability) performed at Invitae indicates that this missense variant is not expected to disrupt GRIN2D protein function. This variant has not been reported in the literature in individuals affected with GRIN2D-related conditions. This variant is not present in population databases (gnomAD no frequency). This sequence change replaces serine, which is neutral and polar, with leucine, which is neutral and non-polar, at codon 1111 of the GRIN2D protein (p.Ser1111Leu).

NM_000836.4(GRIN2D):c.3332C>T (p.Ser1111Leu)

Gene: GRIN2D (glutamate ionotropic receptor NMDA type subunit 2D; plus strand). Cytogenetic location: 19q13.33.
Variant type: single nucleotide variant.
Coding change: c.3332C>T on transcript NM_000836.4 (MANE Select); coding-DNA position 3332, C replaced by T.
Protein change: p.Ser1111Leu; replaces serine 1111 with leucine.
Molecular consequence: missense variant.
Genome position (GRCh38, 1-based): chr19:48,443,258, C>T. VCF-style: chr19-48443258-C-T. GRCh37 (hg19) VCF-style: chr19-48946515-C-T.
Other names: short protein forms S1111L.
Identifiers: ClinVar variation 2848287 (VCV002848287.3), dbSNP rs2513693028, ClinGen allele CA406675662.